The following is an entry in ClinVar:

ClinVar aggregate classification (germline): Uncertain significance (1 of 4 stars; one submission).

Submission:

Labcorp Genetics (formerly Invitae), Labcorp
Classification: Uncertain significance. Last evaluated: 2022-08-22. Review status: criteria provided, single submitter. Criteria: Invitae Variant Classification Sherloc (09022015). Collection method: clinical testing. Allele origin: germline.
Comment: Experimental studies and prediction algorithms are not available or were not evaluated, and the functional significance of this variant is currently unknown. ClinVar contains an entry for this variant (Variation ID: 1383537). This variant has not been reported in the literature in individuals affected with C2CD3-related conditions. This variant is present in population databases (rs761331220, gnomAD 0.02%). This variant, c.4374_4394del, results in the deletion of 7 amino acid(s) of the C2CD3 protein (p.Asn1459_Val1465del), but otherwise preserves the integrity of the reading frame. In summary, the available evidence is currently insufficient to determine the role of this variant in disease. Therefore, it has been classified as a Variant of Uncertain Significance.

NM_001286577.2(C2CD3):c.4374_4394del (p.Asn1459_Val1465del)

Gene: C2CD3 (C2 domain containing 3 centriole elongation regulator; minus strand). Cytogenetic location: 11q13.4.
Variant type: Deletion.
Coding change: c.4374_4394del on transcript NM_001286577.2 (MANE Select); coding-DNA positions 4374 to 4394, 21 bases deleted (AAACAAAAAGCAGATTATGGT).
Protein change: p.Asn1459_Val1465del.
Molecular consequence: inframe deletion.
Genome position (GRCh38, 1-based): chr11:74,078,324-74,078,344, ACCATAATCTGCTTTTTGTTT deleted on the plus strand (AAACAAAAAGCAGATTATGGT on the coding strand, the reverse complement: C2CD3 is on the minus strand); deleting any 21 consecutive bases within chr11:74,078,324-74,078,346 gives the same sequence; the c. name uses the placement nearest the transcript's 3' end. VCF-style (leftmost placement, unchanged base first): chr11-74078323-GACCATAATCTGCTTTTTGTTT-G. GRCh37 (hg19) VCF-style: chr11-73789368-GACCATAATCTGCTTTTTGTTT-G.
Other names: c.4374_4394del, p.Asn1459_Val1465del (NM_015531.6).
Identifiers: ClinVar variation 1383537 (VCV001383537.4), dbSNP rs761331220, ClinGen allele CA6182148.